The following is an entry in ClinVar:

ClinVar aggregate classification (germline): Likely benign. Review status: criteria provided, multiple submitters, no conflicts (2 of 4 stars). 4 submissions from 4 submitters: Likely benign (4). Last evaluated 2026-02-03.

Conditions:
POLD1-related polyposis and colorectal cancer syndrome (CRCS10). Also called: Colorectal cancer, susceptibility to, 10; Colorectal cancer 10; COLORECTAL CANCER, SUSCEPTIBILITY TO, ON CHROMOSOME 19q. Identifiers: Orphanet 220460, MedGen C2675481, MONDO:0012953, OMIM 612591.

Allele frequency attached by ClinVar (database versions not stated): gnomAD 0.00001; ExAC 0.00002; TOPMed 0.00002; gnomAD exomes 0.00003.
gnomAD v4.1: 47 of 1,613,002 alleles (0.0029%); highest among the groups gnomAD compares: Middle Eastern, 0.016%; no homozygotes.

Submissions (4):

Labcorp Genetics (formerly Invitae), Labcorp
Classification: Likely benign for POLD1-related polyposis and colorectal cancer syndrome. Last evaluated: 2026-02-03. Review status: criteria provided, single submitter. Criteria: Invitae Variant Classification Sherloc (09022015). Collection method: clinical testing. Allele origin: germline.

Center for Genomic Medicine, Rigshospitalet, Copenhagen University Hospital
Classification: Likely benign. Last evaluated: 2025-03-04. Review status: criteria provided, single submitter. Criteria: ACMG Guidelines, 2015. Collection method: clinical testing. Allele origin: germline.

Blueprint Genetics
Classification: Likely benign. Last evaluated: 2021-03-24. Review status: criteria provided, single submitter. Criteria: ACMG Guidelines, 2015. Collection method: clinical testing. Allele origin: germline.

GeneDx
Classification: Likely benign. Last evaluated: 2017-06-02. Review status: criteria provided, single submitter. Criteria: GeneDx Variant Classification (06012015). Collection method: clinical testing. Allele origin: germline. Affected: yes.
Comment: This variant is considered likely benign or benign based on one or more of the following criteria: it is a conservative change, it occurs at a poorly conserved position in the protein, it is predicted to be benign by multiple in silico algorithms, and/or has population frequency not consistent with disease.

NM_002691.4(POLD1):c.1776-20C>T

Gene: POLD1 (DNA polymerase delta 1, catalytic subunit; plus strand). Cytogenetic location: 19q13.33.
Variant type: single nucleotide variant.
Coding change: c.1776-20C>T on transcript NM_002691.4 (MANE Select); 20 bases into the intron before coding-DNA position 1776, C replaced by T.
Molecular consequence: intron variant. On other transcripts: missense variant (1).
Genome position (GRCh38, 1-based): chr19:50,408,765, C>T. VCF-style: chr19-50408765-C-T. GRCh37 (hg19) VCF-style: chr19-50912022-C-T.
Other names: c.1834C>T, p.Arg612Cys (LRG_785t2, NM_001308632.1); c.1776-20C>T (LRG_785t1, NM_001256849.1); short protein forms R612C.
Identifiers: ClinVar variation 380705 (VCV000380705.11), dbSNP rs746366643, ClinGen allele CA9596276.